The following is an entry in ClinVar:

NM_004247.4(EFTUD2):c.1732C>T (p.Arg578Ter)

Gene: EFTUD2 (elongation factor Tu GTP binding domain containing 2; minus strand). Cytogenetic location: 17q21.31.
Variant type: single nucleotide variant.
Coding change: c.1732C>T on transcript NM_004247.4 (MANE Select); coding-DNA position 1732, C replaced by T.
Protein change: p.Arg578Ter; replaces arginine 578 with a stop codon.
Molecular consequence: nonsense.
Genome position (GRCh38, 1-based): chr17:44,860,033, G>A on the plus strand (C>T on the coding strand, the complement: EFTUD2 is on the minus strand). VCF-style: chr17-44860033-G-A. GRCh37 (hg19) VCF-style: chr17-42937401-G-A.
Other names: c.1627C>T, p.Arg543Ter (NM_001142605.2); c.1732C>T, p.Arg578Ter (NM_001258353.2); c.1702C>T, p.Arg568Ter (NM_001258354.2); short protein forms R578*, R568*, R543*.
Identifiers: ClinVar variation 379625 (VCV000379625.7), dbSNP rs1057520673, ClinGen allele CA16607293.

ClinVar aggregate classification (germline): Pathogenic. Review status: criteria provided, multiple submitters, no conflicts (2 of 4 stars). 3 submissions from 3 submitters: Pathogenic (3). Last evaluated 2025-07-08.

Conditions:
Mandibulofacial dysostosis-microcephaly syndrome (MFDGA). Also called: Growth and mental retardation, mandibulofacial dysostosis, microcephaly, and cleft palate; Mandibulofacial dysostosis, Guion-Almeida type. Identifiers: Orphanet 79113, MedGen C1864652, MONDO:0012516, OMIM 610536.

Submissions (3):

Variantyx, Inc.
Classification: Pathogenic for Mandibulofacial dysostosis-microcephaly syndrome. Last evaluated: 2025-07-08. Review status: criteria provided, single submitter. Criteria: Variantyx Assertion Criteria 2022. Collection method: clinical testing. Allele origin: de novo. Inheritance: Autosomal dominant inheritance. Affected: yes.
Comment: This is a nonsense variant in the EFTUD2 gene (OMIM: 603892). Pathogenic variants in this gene have been associated with autosomal dominant mandibulofacial dysostosis with microcephaly. This variant introduces a premature termination codon in exon 18 out of 28 and is expected to result in loss of function, which is a known disease mechanism for EFTUD2 in this disorder (PMID: 23188108, 22305528) (PVS1). This variant is absent from control populations (PM2). Based on the current evidence, this variant is classified as pathogenic for autosomal dominant mandibulofacial dysostosis with microcephaly.

GeneDx
Classification: Pathogenic. Last evaluated: 2022-01-13. Review status: criteria provided, single submitter. Criteria: GeneDx Variant Classification Process June 2021. Collection method: clinical testing. Allele origin: germline. Affected: yes.
Comment: Nonsense variant predicted to result in protein truncation or nonsense mediated decay in a gene for which loss-of-function is a known mechanism of disease; Published functional studies demonstrate a damaging effect consistent with a loss of function (Thomas et al., 2020); Not observed in large population cohorts (gnomAD); This variant is associated with the following publications: (PMID: 25735261, 25326635, 27670155, 26507355, 32333448)

Baylor Genetics
Classification: Pathogenic for Mandibulofacial dysostosis-microcephaly syndrome. Last evaluated: 2017-09-01. Review status: criteria provided, single submitter. Criteria: ACMG Guidelines, 2015. Collection method: clinical testing. Allele origin: de novo. Inheritance: Autosomal dominant inheritance. Affected: yes.
Comment: This nonsense mutation is categorized as deleterious according to ACMG guidelines (PMID:18414213).

Literature cited by the submitters: PubMed 23188108 (cited by Variantyx, Inc.); PubMed 22305528 (cited by Variantyx, Inc.); PubMed 2573526 (cited by Variantyx, Inc.); PubMed 25326635 (cited by Baylor Genetics).